The following is an entry in ClinVar:

ClinVar aggregate classification (germline): Conflicting classifications of pathogenicity. Review status: criteria provided, conflicting classifications (1 of 4 stars). 2 submissions from 2 submitters: Uncertain significance (1); Likely benign (1). Last evaluated 2026-01-25.

Conditions:
Early-onset Parkinson disease 20. Also called: PARKINSON DISEASE 20, AUTOSOMAL RECESSIVE EARLY-ONSET. Identifiers: Orphanet 391411, MedGen C3809824, MONDO:0014233, OMIM 615530.
Developmental and epileptic encephalopathy, 53. Also called: Epileptic encephalopathy, early infantile, 53. Identifiers: MedGen C4479313, MONDO:0033362, OMIM 617389.

Allele frequency attached by ClinVar (database versions not stated): gnomAD 0.00016; TOPMed 0.00029; 1000 Genomes Project 30x 0.00031; ExAC 0.00031; gnomAD exomes 0.00032; ESP Exome Variant Server 0.00038.
gnomAD v4.1: 323 of 1,614,034 alleles (0.02%); highest among the groups gnomAD compares: South Asian, 0.097%; 3 homozygotes.

Submissions (2):

Labcorp Genetics (formerly Invitae), Labcorp
Classification: Likely benign for Developmental and epileptic encephalopathy, 53; Early-onset Parkinson disease 20. Last evaluated: 2026-01-25. Review status: criteria provided, single submitter. Criteria: Invitae Variant Classification Sherloc (09022015). Collection method: clinical testing. Allele origin: germline.

GeneDx
Classification: Uncertain significance. Last evaluated: 2025-01-27. Review status: criteria provided, single submitter. Criteria: GeneDx Variant Classification Process June 2021. Collection method: clinical testing. Allele origin: germline. Affected: yes.
Comment: Reported previously as an autosomal recessive variant of uncertain significance in a patient with classic ALS (PMID: 35893043); Reported previously as a variant of uncertain significance in a patient with atypical symptoms of unilateral bradykinesia, chorea, and hemiparesis (PMID: 37139776); In silico analysis supports that this missense variant does not alter protein structure/function; This variant is associated with the following publications: (PMID: 35893043, 37139776)

NM_203446.3(SYNJ1):c.3746C>T (p.Pro1249Leu)

Gene: SYNJ1 (synaptojanin 1; minus strand). Cytogenetic location: 21q22.11.
Variant type: single nucleotide variant.
Coding change: c.3746C>T on transcript NM_203446.3 (MANE Select); coding-DNA position 3746, C replaced by T.
Protein change: p.Pro1249Leu; replaces proline 1249 with leucine.
Molecular consequence: missense variant.
Genome position (GRCh38, 1-based): chr21:32,639,077, G>A on the plus strand (C>T on the coding strand, the complement: SYNJ1 is on the minus strand). VCF-style: chr21-32639077-G-A. GRCh37 (hg19) VCF-style: chr21-34011387-G-A.
Other names: c.3698C>T, p.Pro1233Leu (NM_001160302.2); c.3605C>T, p.Pro1202Leu (NM_001160306.2); c.3863C>T, p.Pro1288Leu (NM_003895.4); short protein forms P1288L, P1202L, P1233L, P1249L.
Identifiers: ClinVar variation 567214 (VCV000567214.10), dbSNP rs149288077, ClinGen allele CA10003264.